The following is an entry in ClinVar:

ClinVar aggregate classification (germline): Conflicting classifications of pathogenicity. Review status: criteria provided, conflicting classifications (1 of 4 stars). 6 submissions from 6 submitters: Pathogenic (2); Likely pathogenic (1); Uncertain significance (3). Last evaluated 2025-12-26.

Conditions:
ALDH7A1-related disorder. Also called: ALDH7A1-related condition.
Inborn genetic diseases. Identifiers: MedGen C0950123, MeSH D030342.
Pyridoxine-dependent epilepsy (EPEO4). Also called: Pyridoxine-Dependent Epilepsy - ALDH7A1; EPILEPSY, EARLY-ONSET, 4, VITAMIN B6-DEPENDENT; Pyridoxine-Dependent Seizures; PYRIDOXINE DEPENDENCY WITH SEIZURES. Identifiers: Orphanet 3006, MedGen C1849508, MONDO:0009945, OMIM 266100. Disease mechanism: loss of function.

Allele frequency attached by ClinVar (database versions not stated): gnomAD exomes 0.00004 and 0.00003; TOPMed 0.00002; gnomAD 0.00003 and 0.00004; ExAC 0.00004.
gnomAD v4.1: 46 of 1,612,486 alleles (0.0029%); highest among the groups gnomAD compares: South Asian, 0.0099%; no homozygotes.

Submissions (6):

Labcorp Genetics (formerly Invitae), Labcorp
Classification: Pathogenic for Pyridoxine-dependent epilepsy. Last evaluated: 2025-12-26. Review status: criteria provided, single submitter. Criteria: Invitae Variant Classification Sherloc (09022015). Collection method: clinical testing. Allele origin: germline.
Comment: This sequence change replaces arginine, which is basic and polar, with cysteine, which is neutral and slightly polar, at codon 469 of the ALDH7A1 protein (p.Arg469Cys). This variant is present in population databases (rs752523070, gnomAD 0.02%). This missense change has been observed in individual(s) with pyridoxine-dependent epilepsy (PMID: 37393059). It has also been observed to segregate with disease in related individuals. ClinVar contains an entry for this variant (Variation ID: 1012738). Invitae Evidence Modeling of protein sequence and biophysical properties (such as structural, functional, and spatial information, amino acid conservation, physicochemical variation, residue mobility, and thermodynamic stability) indicates that this missense variant is expected to disrupt ALDH7A1 protein function with a positive predictive value of 80%. For these reasons, this variant has been classified as Pathogenic.

Women's Health and Genetics/Laboratory Corporation of America, LabCorp
Classification: Pathogenic for Pyridoxine-dependent epilepsy. Last evaluated: 2025-09-23. Review status: criteria provided, single submitter. Criteria: LabCorp Variant Classification Summary - May 2015. Collection method: clinical testing. Allele origin: germline.
Comment: Variant summary: ALDH7A1 c.1405C>T (p.Arg469Cys), also reported as R441C, results in a non-conservative amino acid change in the encoded protein sequence. Algorithms developed to predict the effect of missense changes on protein structure and function all suggest that this variant is likely to be disruptive. The variant allele was found at a frequency of 3.6e-05 in 251206 control chromosomes. c.1405C>T has been observed in the homozygous and compound heterozygous states in multiple individual(s) affected with clinical features of Pyridoxine-dependent epilepsy (example, Korasick_2024, Shafique_2023). These data indicate that the variant is likely to be associated with disease. At least one publication reports experimental evidence evaluating an impact on protein function. The most pronounced variant effect results in <10% of normal activity in E. coli (example, Korasick_2024). The following publications have been ascertained in the context of this evaluation (PMID: 38604394, 30043187, 37393059). ClinVar contains an entry for this variant (Variation ID: 1012738). Based on the evidence outlined above, the variant was classified as pathogenic.

PreventionGenetics, part of Exact Sciences
Classification: Likely pathogenic for ALDH7A1-related condition. Last evaluated: 2025-04-18. Review status: criteria provided, single submitter. Criteria: ACMG Guidelines, 2015. Collection method: clinical testing. Allele origin: germline.
Comment: The ALDH7A1 c.1405C>T variant is predicted to result in the amino acid substitution p.Arg469Cys. This variant has been reported in the homozygous state in two related individuals with neurodevelopmental disorder with epilepsy (Shafique et al. 2023. PubMed ID: 37393059). This variant is reported in 0.016% of alleles in individuals of South Asian descent in gnomAD. An in vitro experimental study using E. coli suggests this variant reduces the catalytic activity of the protein (described as p.Arg441Cys, Korasick et al. 2024. PubMed ID: 38604394). An alternate missense substitution affecting the same amino acid (p.Arg469His) has been reported in the homozygous state in an individual with pyridoxine-dependent epilepsy (Table S2, Coughlin et al. 2019. PubMed ID: 30043187). Taken together, the c.1405C>T (p.Arg469Cys) variant is classified as likely pathogenic.

Ambry Genetics
Classification: Uncertain significance for Inborn genetic diseases. Last evaluated: 2024-04-18. Review status: criteria provided, single submitter. Criteria: Ambry Variant Classification Scheme 2023. Collection method: clinical testing. Allele origin: germline.

Genome-Nilou Lab
Classification: Uncertain significance for Pyridoxine-dependent epilepsy. Last evaluated: 2023-04-11. Review status: criteria provided, single submitter. Criteria: ACMG Guidelines, 2015. Collection method: clinical testing. Allele origin: germline. Affected: no.

CeGaT Center for Human Genetics Tuebingen
Classification: Uncertain significance. Last evaluated: 2021-03-01. Review status: criteria provided, single submitter. Criteria: CeGaT Center For Human Genetics Tuebingen Variant Classification Criteria Version 2. Collection method: clinical testing. Allele origin: germline. Affected: yes. Observed: 2 variant alleles.

Literature cited by the submitters: PubMed 37393059 (cited by Labcorp Genetics (formerly Invitae), Labcorp and Women's Health and Genetics/Laboratory Corporation of America, LabCorp); PubMed 30043187 (cited by Women's Health and Genetics/Laboratory Corporation of America, LabCorp); PubMed 38604394 (cited by Women's Health and Genetics/Laboratory Corporation of America, LabCorp).

NM_001182.5(ALDH7A1):c.1405C>T (p.Arg469Cys)

Gene: ALDH7A1 (aldehyde dehydrogenase 7 family member A1; minus strand). Cytogenetic location: 5q23.2.
Variant type: single nucleotide variant.
Coding change: c.1405C>T on transcript NM_001182.5 (MANE Select); coding-DNA position 1405, C replaced by T.
Protein change: p.Arg469Cys; replaces arginine 469 with cysteine.
Molecular consequence: missense variant.
Genome position (GRCh38, 1-based): chr5:126,550,206, G>A on the plus strand (C>T on the coding strand, the complement: ALDH7A1 is on the minus strand). VCF-style: chr5-126550206-G-A. GRCh37 (hg19) VCF-style: chr5-125885898-G-A.
Other names: c.1405C>T (NM_001182.4); c.1321C>T, p.Arg441Cys (NM_001201377.2); c.1213C>T, p.Arg405Cys (NM_001202404.2); short protein forms R405C, R441C, R469C.
Identifiers: ClinVar variation 1012738 (VCV001012738.45), dbSNP rs752523070, ClinGen allele CA3389432.
Genomic context (GRCh38, chr5:126,550,206, plus strand): 5'-CACCACATAAATCAGACTTATATAAATTTTCAAAATAGACAAAGTTGTACCCAAGCCAGC[G>A]AAAGATTCTGCCCAGATCTTTGGTAAAGATGCTACTTGAAAGTCCCTGTTTTACTTCATT-3'
Protein context (NP_001173.2, residues 459-479): IFTKDLGRIF[Arg469Cys]WLGPKGSDCG